The following is an entry in ClinVar:

ClinVar aggregate classification (germline): Likely pathogenic (1 of 4 stars; one submission).

Submission:

Mayo Clinic Laboratories, Mayo Clinic
Classification: Likely pathogenic. Last evaluated: 2020-09-10. Review status: criteria provided, single submitter. Criteria: ACMG Guidelines, 2015. Collection method: clinical testing. Allele origin: germline. Observed: 1 variant allele.
Comment: PVS1, PM2

NM_000186.4(CFH):c.1927G>T (p.Glu643Ter)

Gene: CFH (complement factor H; plus strand). Cytogenetic location: 1q31.3.
Variant type: single nucleotide variant.
Coding change: c.1927G>T on transcript NM_000186.4 (MANE Select); coding-DNA position 1927, G replaced by T.
Protein change: p.Glu643Ter; replaces glutamic acid 643 with a stop codon.
Molecular consequence: nonsense.
Genome position (GRCh38, 1-based): chr1:196,726,523, G>T. VCF-style: chr1-196726523-G-T. GRCh37 (hg19) VCF-style: chr1-196695653-G-T.
Other names: short protein forms E643*.
Identifiers: ClinVar variation 1163677 (VCV001163677.5), dbSNP rs867229260, ClinGen allele CA343987485.
Genomic context (GRCh38, chr1:196,726,523, plus strand): 5'-ACTATAGAGCAAGTACAATCATGTGGTCCACCTCCTGAACTCCTCAATGGGAATGTTAAG[G>T]AAAAAACGAAAGAAGAATATGGACACAGTGAAGTGGTGGAATATTATTGCAATCCTAGAT-3'